The following is an entry in ClinVar:

NM_032638.5(GATA2):c.941_951dup (p.Ala318fs)

Gene: GATA2 (GATA binding protein 2; minus strand). Cytogenetic location: 3q21.3.
Variant type: Duplication.
Coding change: c.941_951dup on transcript NM_032638.5 (MANE Select); coding-DNA positions 941 to 951, 11 bases duplicated (ACCTGTGCAAT).
Protein change: p.Ala318fs; shifts the reading frame from alanine 318.
Molecular consequence: frameshift variant.
Genome position (GRCh38, 1-based): chr3:128,483,926-128,483,936, ATTGCACAGGT duplicated on the plus strand (ACCTGTGCAAT on the coding strand, the reverse complement: GATA2 is on the minus strand); duplicating any 11 consecutive bases within chr3:128,483,926-128,483,937 gives the same sequence; the c. name uses the placement nearest the transcript's 3' end. VCF-style (leftmost placement, unchanged base first): chr3-128483925-C-CATTGCACAGGT. GRCh37 (hg19) VCF-style: chr3-128202768-C-CATTGCACAGGT.
Other names: c.941_951dup, p.Ala318fs (NM_001145661.2, NM_001145662.1); short protein forms A318fs.
Identifiers: ClinVar variation 1184146 (VCV001184146.1), dbSNP rs2107670410, ClinGen allele CA2499216462.
Genomic context (GRCh38, chr3:128,483,925, plus strand): 5'-TTCGCTTGGGCTTGATGAGTGGTCGGTTCTGCCCATTCATCTTGTGGTAGAGGCCACAGG[C>CATTGCACAGGT]ATTGCACAGGTAGTGGCCGGTGCCGTCCCGCCGCCAGAGAGGGGTGGCTGTGGCCCCACA-3'

ClinVar aggregate classification (germline): Pathogenic (1 of 4 stars; one submission).

Conditions:
Deafness-lymphedema-leukemia syndrome. Also called: Emberger syndrome; Lymphedema, primary, with myelodysplasia. Identifiers: Orphanet 3226, MedGen C3279664, MONDO:0013540, OMIM 614038.
GATA2 deficiency with susceptibility to MDS/AML. Identifiers: MedGen CN300066, MONDO:0042982.

Submission:

Molecular Pathology Research Laboratory, SA Pathology
Classification: Pathogenic for GATA2 deficiency with susceptibility to MDS/AML; Deafness-lymphedema-leukemia syndrome. Last evaluated: 2021-07-06. Review status: criteria provided, single submitter. Criteria: ACMG Guidelines, 2015. Collection method: curation. Allele origin: unknown. Inheritance: Autosomal dominant inheritance. Affected: yes. Observed: 1 variant allele.
Comment: PVS1, PS4_Supporting, PM2

Literature cited by the submitters: PubMed 24077845; PubMed 23502222; PubMed 25359990; PubMed 21670465.